The following is an entry in ClinVar:

NM_015346.4(ZFYVE26):c.505C>T (p.Gln169Ter)

Gene: ZFYVE26 (zinc finger FYVE-type containing 26; minus strand). Cytogenetic location: 14q24.1.
Variant type: single nucleotide variant.
Coding change: c.505C>T on transcript NM_015346.4 (MANE Select); coding-DNA position 505, C replaced by T.
Protein change: p.Gln169Ter; replaces glutamine 169 with a stop codon.
Molecular consequence: nonsense.
Genome position (GRCh38, 1-based): chr14:67,807,779, G>A on the plus strand (C>T on the coding strand, the complement: ZFYVE26 is on the minus strand). VCF-style: chr14-67807779-G-A. GRCh37 (hg19) VCF-style: chr14-68274496-G-A.
Other names: short protein forms Q169*.
Identifiers: ClinVar variation 5013255 (VCV005013255.1).

ClinVar aggregate classification (germline): Pathogenic (1 of 4 stars; one submission).

Conditions:
Hereditary spastic paraplegia 15 (SPG15). Also called: SPASTIC PARAPLEGIA 15, AUTOSOMAL RECESSIVE; KJELLIN SYNDROME; SPASTIC PARAPLEGIA AND RETINAL DEGENERATION. Identifiers: Orphanet 100996, MedGen C1849128, MONDO:0010044, OMIM 270700.

Submission:

Myriad Genetics, Inc.
Classification: Pathogenic for Hereditary spastic paraplegia 15. Last evaluated: 2025-01-20. Review status: criteria provided, single submitter. Criteria: Myriad Autosomal Dominant, Autosomal Recessive and X-Linked Classification Criteria (2023). Collection method: clinical testing. Allele origin: unknown.
Comment: NM_015346.3(ZFYVE26):c.505C>T(Q169*) is expected to be pathogenic in the context of spastic paraplegia type 15. This variant is predicted to lead to an abnormal or absent protein product due to the creation of a premature termination codon in ZFYVE26, a gene where loss-of-function variants are known to be pathogenic. Please note: this variant was assessed in the context of healthy population screening.